The following is an entry in ClinVar:

ClinVar aggregate classification (germline): Uncertain significance (1 of 4 stars; one submission).

Submission:

GeneDx
Classification: Uncertain significance. Last evaluated: 2026-04-23. Review status: criteria provided, single submitter. Criteria: GeneDx Variant Classification Process June 2021. Collection method: clinical testing. Allele origin: germline.
Comment: Not observed at significant frequency in large population cohorts (gnomAD); In silico analysis suggests that this missense variant does not alter protein structure/function; Has not been previously published as pathogenic or benign to our knowledge

NM_003839.4(TNFRSF11A):c.1027A>G (p.Met343Val)

Gene: TNFRSF11A (TNF receptor superfamily member 11a; plus strand). Cytogenetic location: 18q21.33.
Variant type: single nucleotide variant.
Coding change: c.1027A>G on transcript NM_003839.4 (MANE Select); coding-DNA position 1027, A replaced by G.
Protein change: p.Met343Val; replaces methionine 343 with valine.
Molecular consequence: missense variant. On other transcripts: intron variant (3).
Genome position (GRCh38, 1-based): chr18:62,368,944, A>G. VCF-style: chr18-62368944-A-G. GRCh37 (hg19) VCF-style: chr18-60036177-A-G.
Other names: c.985A>G, p.Met329Val (NM_001278268.2); c.783+2184A>G (NM_001270949.2); c.730+7151A>G (NM_001270950.2); c.616+8895A>G (NM_001270951.2); short protein forms M329V, M343V.
Identifiers: ClinVar variation 5037467 (VCV005037467.1).